The following is an entry in ClinVar:

ClinVar aggregate classification (germline): Conflicting classifications of pathogenicity. Review status: criteria provided, conflicting classifications (1 of 4 stars). 2 submissions from 2 submitters: Uncertain significance (1); Likely benign (1). Last evaluated 2024-01-16.

Conditions:
Marfan syndrome (MFS). Also called: MARFAN SYNDROME, TYPE I; Marfan syndrome type 1; Marfan's syndrome; Marfan syndrome, classic; FBN1-Related Marfan Syndrome. Identifiers: Orphanet 284963, Orphanet 558, MedGen C0024796, MONDO:0007947, OMIM 154700.
Familial thoracic aortic aneurysm and aortic dissection (TAAD). Also called: Thoracic aortic aneurysms and dissections. Identifiers: Orphanet 91387, MedGen C4707243, MONDO:0019625.

Allele frequency attached by ClinVar (database versions not stated): TOPMed 0.00001; gnomAD exomes below 0.00001.
gnomAD v4.1: 1 of 1,613,766 alleles (0.000062%); highest among the groups gnomAD compares: Non-Finnish European, 0.000085%; no homozygotes.

Submissions (2):

Labcorp Genetics (formerly Invitae), Labcorp
Classification: Likely benign for Marfan syndrome; Familial thoracic aortic aneurysm and aortic dissection. Last evaluated: 2024-01-16. Review status: criteria provided, single submitter. Criteria: Invitae Variant Classification Sherloc (09022015). Collection method: clinical testing. Allele origin: germline.

All of Us Research Program, National Institutes of Health
Classification: Uncertain significance for Marfan syndrome. Last evaluated: 2023-06-26. Review status: criteria provided, single submitter. Criteria: ACMG Guidelines, 2015. Collection method: clinical testing. Allele origin: germline. Inheritance: Autosomal dominant inheritance. Observed: 2 variant alleles, 2 heterozygotes.
Comment: This missense variant replaces alanine with valine at codon 2063 of the FBN1 protein. Computational prediction suggests that this variant may not impact protein structure and function (internally defined REVEL score threshold <= 0.5, PMID: 27666373). To our knowledge, functional studies have not been reported for this variant. This variant has not been reported in individuals affected with FBN1-related disorders in the literature. This variant has been identified in 1/251122 chromosomes in the general population by the Genome Aggregation Database (gnomAD). The available evidence is insufficient to determine the role of this variant in disease conclusively. Therefore, this variant is classified as a Variant of Uncertain Significance.

This study involves interpretation of variants in research participants for the purpose of population health screening. Participant phenotype was not available at the time of variant classification. Additional details can be found in publication PMID: 35346344, PMCID: PMC8962531

NM_000138.5(FBN1):c.6188C>T (p.Ala2063Val)

Gene: FBN1 (fibrillin 1; minus strand). Cytogenetic location: 15q21.1.
Variant type: single nucleotide variant.
Coding change: c.6188C>T on transcript NM_000138.5 (MANE Select); coding-DNA position 6188, C replaced by T.
Protein change: p.Ala2063Val; replaces alanine 2063 with valine.
Molecular consequence: missense variant.
Genome position (GRCh38, 1-based): chr15:48,437,893, G>A on the plus strand (C>T on the coding strand, the complement: FBN1 is on the minus strand). VCF-style: chr15-48437893-G-A. GRCh37 (hg19) VCF-style: chr15-48730090-G-A.
Other names: c.6188C>T, p.Ala2063Val (NM_001406716.1); short protein forms A2063V.
Identifiers: ClinVar variation 2935903 (VCV002935903.4), dbSNP rs1566896395, ClinGen allele CA392337236.